The following is an entry in ClinVar:

NM_000330.4(RS1):c.409C>T (p.Leu137Phe)

Genes: CDKL5 (cyclin dependent kinase like 5; plus strand), RS1 (retinoschisin 1; minus strand). Cytogenetic location: Xp22.13.
Variant type: single nucleotide variant.
Coding change: c.409C>T on transcript NM_000330.4 (MANE Select); coding-DNA position 409, C replaced by T.
Protein change: p.Leu137Phe; replaces leucine 137 with phenylalanine.
Molecular consequence: missense variant. On other transcripts: intron variant (2).
Genome position (GRCh38, 1-based): chrX:18,644,543, G>A on the plus strand (C>T on the coding strand, the complement: RS1 is on the minus strand). VCF-style: chrX-18644543-G-A. GRCh37 (hg19) VCF-style: chrX-18662663-G-A.
Other names: c.2714-1464G>A (NM_003159.3, NM_001037343.2); short protein forms L137F.
Identifiers: ClinVar variation 1023915 (VCV001023915.11), dbSNP rs1927700931, ClinGen allele CA412371948.
Genomic context (GRCh38, chrX:18,644,543, plus strand): 5'-TCCTGTACTGCACGCTGTACTTGGTCATCCACTCATCGATGTCACAGCGCCCCTGGGTGA[G>A]GATCCCTGAAATCACTTTGATCTCCTTCAGATCTATCTGTAACCACTGGCTACTGTCCTG-3'
Protein context (NP_000321.1, residues 127-147): LKEIKVISGI[Leu137Phe]TQGRCDIDEW

ClinVar aggregate classification (germline): Likely pathogenic. Review status: criteria provided, multiple submitters, no conflicts (2 of 4 stars). 2 submissions from 2 submitters: Likely pathogenic (2). Last evaluated 2025-08-21.

Conditions:
Juvenile retinoschisis (RS1). Also called: X-linked retinoschisis; X-Linked Juvenile Retinoschisis. Identifiers: Orphanet 792, MedGen C3714753, MONDO:0010725, OMIM 312700.

Submissions (2):

Labcorp Genetics (formerly Invitae), Labcorp
Classification: Likely pathogenic. Last evaluated: 2025-08-21. Review status: criteria provided, single submitter. Criteria: Invitae Variant Classification Sherloc (09022015). Collection method: clinical testing. Allele origin: germline.
Comment: This sequence change replaces leucine, which is neutral and non-polar, with phenylalanine, which is neutral and non-polar, at codon 137 of the RS1 protein (p.Leu137Phe). This variant is not present in population databases (gnomAD no frequency). This missense change has been observed in individual(s) with X-linked retinoschisis (PMID: 32646553). ClinVar contains an entry for this variant (Variation ID: 1023915). Invitae Evidence Modeling of protein sequence and biophysical properties (such as structural, functional, and spatial information, amino acid conservation, physicochemical variation, residue mobility, and thermodynamic stability) indicates that this missense variant is expected to disrupt RS1 protein function with a positive predictive value of 95%. This variant disrupts the p.Leu137 amino acid residue in RS1. Other variant(s) that disrupt this residue have been observed in individuals with RS1-related conditions (PMID: 32646553, 35119454), which suggests that this may be a clinically significant amino acid residue. In summary, the currently available evidence indicates that the variant is pathogenic, but additional data are needed to prove that conclusively. Therefore, this variant has been classified as Likely Pathogenic.

DBGen Ocular Genomics
Classification: Likely pathogenic for Juvenile retinoschisis. Last evaluated: 2021-06-23. Review status: criteria provided, single submitter. Criteria: ACMG Guidelines, 2015. Collection method: clinical testing. Allele origin: germline. Affected: yes. Observed: 1 variant allele.

Literature cited by the submitters: PubMed 32646553 (cited by Labcorp Genetics (formerly Invitae), Labcorp); PubMed 35119454 (cited by Labcorp Genetics (formerly Invitae), Labcorp).